The following is an entry in ClinVar:

ClinVar aggregate classification (germline): Pathogenic/Likely pathogenic. Review status: criteria provided, multiple submitters, no conflicts (2 of 4 stars). 3 submissions from 3 submitters: Pathogenic (2); Likely pathogenic (1). Last evaluated 2025-12-25.

Conditions:
Cardiovascular phenotype. Identifiers: MedGen CN230736.
Hereditary cancer-predisposing syndrome. Also called: Neoplastic Syndromes, Hereditary; Tumor predisposition; Hereditary neoplastic syndrome; Hereditary Cancer Syndrome. Identifiers: Orphanet 140162, MedGen C0027672, MeSH D009386, MONDO:0015356.
LZTR1-related schwannomatosis. Also called: Schwannomatosis 2; Schwannomatosis-2, susceptibility to. Identifiers: Orphanet 93921, MedGen C3810283, MONDO:0014299, OMIM 615670.

Submissions (3):

Variantyx, Inc.
Classification: Likely pathogenic for LZTR1-related schwannomatosis. Last evaluated: 2025-12-25. Review status: criteria provided, single submitter. Criteria: Variantyx Assertion Criteria 2022. Collection method: clinical testing. Allele origin: germline. Inheritance: Autosomal dominant inheritance. Affected: yes.
Comment: This is a nonsense variant in the LZTR1 gene (OMIM: 600574). Pathogenic variants in this gene have been associated with autosomal dominant susceptibility to schwannomatosis 2. This variant introduces a premature termination codon in exon 1 out of 21 and is expected to result in loss of function, which is a known disease mechanism for LZTR1 in this disorder (PMID: 25335493) (PVS1). This variant is absent from control populations (PM2). Based on the current evidence, this variant is classified as likely pathogenic for autosomal dominant susceptibility to schwannomatosis 2.

Labcorp Genetics (formerly Invitae), Labcorp
Classification: Pathogenic. Last evaluated: 2024-10-17. Review status: criteria provided, single submitter. Criteria: Invitae Variant Classification Sherloc (09022015). Collection method: clinical testing. Allele origin: germline.
Comment: This sequence change creates a premature translational stop signal (p.Tyr40*) in the LZTR1 gene. It is expected to result in an absent or disrupted protein product. Loss-of-function variants in LZTR1 are known to be pathogenic (PMID: 24362817, 25335493, 25480913, 25795793, 29469822, 30368668, 30442762, 30442766, 30481304, 30859559). This variant is not present in population databases (gnomAD no frequency). This variant has not been reported in the literature in individuals affected with LZTR1-related conditions. ClinVar contains an entry for this variant (Variation ID: 2496794). For these reasons, this variant has been classified as Pathogenic.

Ambry Genetics
Classification: Pathogenic for Cardiovascular phenotype; Hereditary cancer-predisposing syndrome. Last evaluated: 2023-02-07. Review status: criteria provided, single submitter. Criteria: Ambry Variant Classification Scheme 2023. Collection method: clinical testing. Allele origin: germline.
Comment: The p.Y40* pathogenic mutation (also known as c.120C>G), located in coding exon 1 of the LZTR1 gene, results from a C to G substitution at nucleotide position 120. This changes the amino acid from a tyrosine to a stop codon within coding exon 1. This alteration is expected to result in loss of function by premature protein truncation or nonsense-mediated mRNA decay. Loss-of-function variants in LZTR1 are related to an increased risk for schwannomas and autosomal recessive Noonan syndrome; however, such associations with autosomal dominant Noonan syndrome have not been observed (Piotrowski A et al. Nat Genet. 2014 Feb;46:182-7; Yamamoto GL et al. J Med Genet. 2015 Jun;52:413-21; Johnston JJ et al. Genet Med. 2018 10;20:1175-1185). Based on the supporting evidence, this variant is pathogenic for an increased risk of LZTR1-related schwannomatosis (SWN) and would be expected to cause autosomal recessive Noonan syndrome when present along with a second pathogenic or likely pathogenic variant on the other allele; however, the association of this alteration with autosomal dominant Noonan syndrome is unlikely.

Literature cited by the submitters: PubMed 25335493 (cited by Variantyx, Inc. and Labcorp Genetics (formerly Invitae), Labcorp); PubMed 24362817 (cited by Labcorp Genetics (formerly Invitae), Labcorp); PubMed 25480913 (cited by Labcorp Genetics (formerly Invitae), Labcorp); PubMed 25795793 (cited by Labcorp Genetics (formerly Invitae), Labcorp); PubMed 29469822 (cited by Labcorp Genetics (formerly Invitae), Labcorp); PubMed 30368668 (cited by Labcorp Genetics (formerly Invitae), Labcorp); PubMed 30442762 (cited by Labcorp Genetics (formerly Invitae), Labcorp); PubMed 30442766 (cited by Labcorp Genetics (formerly Invitae), Labcorp); PubMed 30481304 (cited by Labcorp Genetics (formerly Invitae), Labcorp); PubMed 30859559 (cited by Labcorp Genetics (formerly Invitae), Labcorp).

NM_006767.4(LZTR1):c.120C>G (p.Tyr40Ter)

Genes: LZTR1 (leucine zipper like post translational regulator 1; plus strand), LOC130067016 (ATAC-STARR-seq lymphoblastoid silent region 13504; plus strand). Cytogenetic location: 22q11.21.
Variant type: single nucleotide variant.
Coding change: c.120C>G on transcript NM_006767.4 (MANE Select); coding-DNA position 120, C replaced by G.
Protein change: p.Tyr40Ter; replaces tyrosine 40 with a stop codon.
Molecular consequence: nonsense.
Genome position (GRCh38, 1-based): chr22:20,982,491, C>G. VCF-style: chr22-20982491-C-G. GRCh37 (hg19) VCF-style: chr22-21336780-C-G.
Other names: short protein forms Y40*.
Identifiers: ClinVar variation 2496794 (VCV002496794.5), dbSNP rs2518607851, ClinGen allele CA410777805.
Genomic context (GRCh38, chr22:20,982,491, plus strand): 5'-GCGGTCCAAGGTAGCCCCGAGCGTGGACTTCGACCATAGCTGCTCGGACAGTGTCGAGTA[C>G]CTGACGCTCAACTTCGGGCCCTTCGAAACAGTGCATCGCTGGCGGCGCCTCCCGCCCTGC-3'